The following is an entry in ClinVar:

NM_006846.4(SPINK5):c.722G>A (p.Arg241Gln)

Gene: SPINK5 (serine peptidase inhibitor Kazal type 5; plus strand). Cytogenetic location: 5q32.
Variant type: single nucleotide variant.
Coding change: c.722G>A on transcript NM_006846.4 (MANE Select); coding-DNA position 722, G replaced by A.
Protein change: p.Arg241Gln; replaces arginine 241 with glutamine.
Molecular consequence: missense variant.
Genome position (GRCh38, 1-based): chr5:148,094,409, G>A. VCF-style: chr5-148094409-G-A. GRCh37 (hg19) VCF-style: chr5-147473972-G-A.
Other names: c.722G>A, p.Arg241Gln (NM_001127698.2, NM_001127699.2); short protein forms R241Q.
Identifiers: ClinVar variation 1505670 (VCV001505670.8), dbSNP rs1753398819, ClinGen allele CA361634445.

ClinVar aggregate classification (germline): Uncertain significance (1 of 4 stars; one submission).

Conditions:
Ichthyosis linearis circumflexa. Identifiers: MedGen C0265962, MONDO:0043106, HP:0025810.

Allele frequency attached by ClinVar (database versions not stated): TOPMed 0.00001.

Submission:

Labcorp Genetics (formerly Invitae), Labcorp
Classification: Uncertain significance for Ichthyosis linearis circumflexa. Last evaluated: 2025-07-30. Review status: criteria provided, single submitter. Criteria: Invitae Variant Classification Sherloc (09022015). Collection method: clinical testing. Allele origin: germline.
Comment: This sequence change replaces arginine, which is basic and polar, with glutamine, which is neutral and polar, at codon 241 of the SPINK5 protein (p.Arg241Gln). This variant is not present in population databases (gnomAD no frequency). This variant has not been reported in the literature in individuals affected with SPINK5-related conditions. ClinVar contains an entry for this variant (Variation ID: 1505670). Invitae Evidence Modeling of protein sequence and biophysical properties (such as structural, functional, and spatial information, amino acid conservation, physicochemical variation, residue mobility, and thermodynamic stability) has been performed for this missense variant. However, the output from this modeling did not meet the statistical confidence thresholds required to predict the impact of this variant on SPINK5 protein function. Algorithms developed to predict the effect of sequence changes on RNA splicing suggest that this variant may create or strengthen a splice site. In summary, the available evidence is currently insufficient to determine the role of this variant in disease. Therefore, it has been classified as a Variant of Uncertain Significance.